The following is an entry in ClinVar:

ClinVar aggregate classification (germline): Likely pathogenic (1 of 4 stars; one submission).

Conditions:
Cardiovascular phenotype. Identifiers: MedGen CN230736.

Submission:

Molecular Diagnostic Laboratory for Inherited Cardiovascular Disease, Montreal Heart Institute
Classification: Likely pathogenic for Cardiovascular phenotype. Last evaluated: 2025-06-12. Review status: criteria provided, single submitter. Criteria: ACMG Guidelines, 2015. Collection method: clinical testing. Allele origin: germline. Affected: yes.
Comment: PVS1, PM2

NM_000256.3(MYBPC3):c.1297del (p.Ala433fs)

Gene: MYBPC3 (myosin binding protein C3; minus strand). Cytogenetic location: 11p11.2.
Variant type: Deletion.
Coding change: c.1297del on transcript NM_000256.3 (MANE Select); coding-DNA position 1297, one base deleted (G; older notation c.1297delG).
Protein change: p.Ala433fs; shifts the reading frame from alanine 433.
Molecular consequence: frameshift variant.
Genome position (GRCh38, 1-based): chr11:47,343,075, C deleted on the plus strand (G on the coding strand, the reverse complement: MYBPC3 is on the minus strand). VCF-style (leftmost placement, unchanged base first): chr11-47343074-GC-G. GRCh37 (hg19) VCF-style: chr11-47364625-GC-G.
Other names: short protein forms A433fs.
Identifiers: ClinVar variation 4076459 (VCV004076459.1).